The following is an entry in ClinVar:

ClinVar aggregate classification (germline): Uncertain significance (1 of 4 stars; one submission).

gnomAD v4.1: 28 of 1,595,966 alleles (0.0018%); highest among the groups gnomAD compares: African/African-American, 0.0068%; no homozygotes.

Submission:

GeneDx
Classification: Uncertain significance. Last evaluated: 2025-07-16. Review status: criteria provided, single submitter. Criteria: GeneDx Variant Classification Process June 2021. Collection method: clinical testing. Allele origin: germline. Affected: yes.
Comment: In silico analysis suggests that this missense variant does not alter protein structure/function; Has not been previously published as pathogenic or benign to our knowledge

NM_014822.4(SEC24D):c.1985A>G (p.Asn662Ser)

Gene: SEC24D (SEC24 homolog D, COPII component; minus strand). Cytogenetic location: 4q26.
Variant type: single nucleotide variant.
Coding change: c.1985A>G on transcript NM_014822.4 (MANE Select); coding-DNA position 1985, A replaced by G.
Protein change: p.Asn662Ser; replaces asparagine 662 with serine.
Molecular consequence: missense variant.
Genome position (GRCh38, 1-based): chr4:118,743,998, T>C on the plus strand (A>G on the coding strand, the complement: SEC24D is on the minus strand). VCF-style: chr4-118743998-T-C. GRCh37 (hg19) VCF-style: chr4-119665153-T-C.
Other names: c.1988A>G, p.Asn663Ser (NM_001318066.2); short protein forms N662S, N663S.
Identifiers: ClinVar variation 4686417 (VCV004686417.1).